The following is an entry in ClinVar:

NM_004006.3(DMD):c.7062T>A (p.Tyr2354Ter)

Gene: DMD (dystrophin; minus strand). Cytogenetic location: Xp21.1.
Variant type: single nucleotide variant.
Coding change: c.7062T>A on transcript NM_004006.3 (MANE Select); coding-DNA position 7062, T replaced by A.
Protein change: p.Tyr2354Ter; replaces tyrosine 2354 with a stop codon.
Molecular consequence: nonsense. On other transcripts: 5 prime UTR variant (5).
Genome position (GRCh38, 1-based): chrX:31,875,224, A>T on the plus strand (T>A on the coding strand, the complement: DMD is on the minus strand). VCF-style: chrX-31875224-A-T. GRCh37 (hg19) VCF-style: chrX-31893341-A-T.
Other names: c.7038T>A, p.Tyr2346Ter (NM_000109.4); c.7050T>A, p.Tyr2350Ter (NM_004009.3); c.6693T>A, p.Tyr2231Ter (NM_004010.3); c.3039T>A, p.Tyr1013Ter (NM_004011.4); c.3030T>A, p.Tyr1010Ter (NM_004012.4); c.-319T>A (NM_004013.3, NM_004020.4, NM_004021.3 and 2 more transcripts); short protein forms Y2346*, Y2350*, Y2354*, Y1013*, Y1010*, Y2231*.
Identifiers: ClinVar variation 2019310 (VCV002019310.5), dbSNP rs2532453077, ClinGen allele CA412659938.

ClinVar aggregate classification (germline): Pathogenic/Likely pathogenic. Review status: criteria provided, multiple submitters, no conflicts (2 of 4 stars). 2 submissions from 2 submitters: Pathogenic (1); Likely pathogenic (1). Last evaluated 2025-03-19.

Conditions:
Duchenne muscular dystrophy (DMD). Also called: MUSCULAR DYSTROPHY, PSEUDOHYPERTROPHIC PROGRESSIVE, DUCHENNE TYPE; Duchenne Muscular Dystrophy (DMD). Identifiers: Orphanet 98896, MedGen C0013264, MONDO:0010679, OMIM 310200.

Submissions (2):

Revvity Omics, Revvity
Classification: Likely pathogenic. Last evaluated: 2025-03-19. Review status: criteria provided, single submitter. Criteria: ACMG Guidelines, 2015. Collection method: clinical testing. Allele origin: germline.

Labcorp Genetics (formerly Invitae), Labcorp
Classification: Pathogenic for Duchenne muscular dystrophy. Last evaluated: 2022-07-23. Review status: criteria provided, single submitter. Criteria: Invitae Variant Classification Sherloc (09022015). Collection method: clinical testing. Allele origin: germline.
Comment: For these reasons, this variant has been classified as Pathogenic. This variant has not been reported in the literature in individuals affected with DMD-related conditions. This variant is not present in population databases (gnomAD no frequency). This sequence change creates a premature translational stop signal (p.Tyr2354*) in the DMD gene. It is expected to result in an absent or disrupted protein product. Loss-of-function variants in DMD are known to be pathogenic (PMID: 16770791, 25007885).

Literature cited by the submitters: PubMed 16770791 (cited by Labcorp Genetics (formerly Invitae), Labcorp); PubMed 25007885 (cited by Labcorp Genetics (formerly Invitae), Labcorp).